The following is an entry in ClinVar:

NM_004523.4(KIF11):c.2441del (p.Glu814fs)

Gene: KIF11 (kinesin family member 11; plus strand). Cytogenetic location: 10q23.33.
Variant type: Deletion.
Coding change: c.2441del on transcript NM_004523.4 (MANE Select); coding-DNA position 2441, one base deleted (A; older notation c.2441delA).
Protein change: p.Glu814fs; shifts the reading frame from glutamic acid 814.
Molecular consequence: frameshift variant.
Genome position (GRCh38, 1-based): chr10:92,645,536, A deleted. VCF-style (leftmost placement, unchanged base first): chr10-92645535-GA-G. GRCh37 (hg19) VCF-style: chr10-94405292-GA-G.
Other names: short protein forms E814fs.
Identifiers: ClinVar variation 1074892 (VCV001074892.8), dbSNP rs2135923456, ClinGen allele CA2499220499.

ClinVar aggregate classification (germline): Pathogenic/Likely pathogenic. Review status: criteria provided, multiple submitters, no conflicts (2 of 4 stars). 2 submissions from 2 submitters: Pathogenic (1); Likely pathogenic (1). Last evaluated 2022-07-19.

Conditions:
KIF11-related disorder. Also called: KIF11-related condition.

Submissions (2):

Labcorp Genetics (formerly Invitae), Labcorp
Classification: Pathogenic. Last evaluated: 2022-07-19. Review status: criteria provided, single submitter. Criteria: Invitae Variant Classification Sherloc (09022015). Collection method: clinical testing. Allele origin: germline.
Comment: For these reasons, this variant has been classified as Pathogenic. Algorithms developed to predict the effect of sequence changes on RNA splicing suggest that this variant may create or strengthen a splice site. ClinVar contains an entry for this variant (Variation ID: 1074892). This variant has not been reported in the literature in individuals affected with KIF11-related conditions. This variant is not present in population databases (gnomAD no frequency). This sequence change creates a premature translational stop signal (p.Glu814Glyfs*9) in the KIF11 gene. It is expected to result in an absent or disrupted protein product. Loss-of-function variants in KIF11 are known to be pathogenic (PMID: 22284827, 24281367).

Blueprint Genetics
Classification: Likely pathogenic for KIF11-related disorders. Last evaluated: 2021-07-21. Review status: criteria provided, single submitter. Criteria: ACMG Guidelines, 2015. Collection method: clinical testing. Allele origin: germline. Affected: yes. Observed: 1 variant allele.

Literature cited by the submitters: PubMed 22284827 (cited by Labcorp Genetics (formerly Invitae), Labcorp); PubMed 24281367 (cited by Labcorp Genetics (formerly Invitae), Labcorp).